The following is an entry in ClinVar:

ClinVar aggregate classification (germline): Benign/Likely benign. Review status: criteria provided, multiple submitters, no conflicts (2 of 4 stars). 3 submissions from 3 submitters: Benign (1); Likely benign (2). Last evaluated 2024-10-24.

Conditions:
Ichthyosis bullosa of Siemens (IBS). Also called: Superficial epidermolytic ichthyosis. Identifiers: Orphanet 455, MedGen C0432306, MONDO:0007813, OMIM 146800.

Allele frequency attached by ClinVar (database versions not stated): 1000 Genomes Project 0.00020; 1000 Genomes Project 30x 0.00031; ExAC 0.00036; gnomAD exomes 0.00042 and 0.00053; gnomAD 0.00043 and 0.00044; TOPMed 0.00044; ESP Exome Variant Server 0.00062.

Submissions (3):

Labcorp Genetics (formerly Invitae), Labcorp
Classification: Likely benign. Last evaluated: 2024-10-24. Review status: criteria provided, single submitter. Criteria: Invitae Variant Classification Sherloc (09022015). Collection method: clinical testing. Allele origin: germline.

Illumina Laboratory Services, Illumina
Classification: Benign for Ichthyosis bullosa of Siemens. Last evaluated: 2018-01-13. Review status: criteria provided, single submitter. Criteria: ICSL Variant Classification Criteria 13 December 2019. Collection method: clinical testing. Allele origin: germline.
Comment: This variant was observed in the ICSL laboratory as part of a predisposition screen in an ostensibly healthy population. It had not been previously curated by ICSL or reported in the Human Gene Mutation Database (HGMD: prior to June 1st, 2018), and was therefore a candidate for classification through an automated scoring system. Utilizing variant allele frequency, disease prevalence and penetrance estimates, and inheritance mode, an automated score was calculated to assess if this variant is too frequent to cause the disease. Based on the score and internal cut-off values, a variant classified as benign is not then subjected to further curation. The score for this variant resulted in a classification of benign for this disease.

Breakthrough Genomics
Classification: Likely benign. Review status: criteria provided, single submitter. Criteria: ACMG Guidelines, 2015. Collection method: not provided. Allele origin: germline. Inheritance: Autosomal dominant inheritance. Affected: yes.

NM_000423.3(KRT2):c.767A>G (p.Asn256Ser)

Gene: KRT2 (keratin 2; minus strand). Cytogenetic location: 12q13.13.
Variant type: single nucleotide variant.
Coding change: c.767A>G on transcript NM_000423.3 (MANE Select); coding-DNA position 767, A replaced by G.
Protein change: p.Asn256Ser; replaces asparagine 256 with serine.
Molecular consequence: missense variant.
Genome position (GRCh38, 1-based): chr12:52,650,372, T>C on the plus strand (A>G on the coding strand, the complement: KRT2 is on the minus strand). VCF-style: chr12-52650372-T-C. GRCh37 (hg19) VCF-style: chr12-53044156-T-C.
Other names: short protein forms N256S.
Identifiers: ClinVar variation 309615 (VCV000309615.13), dbSNP rs144222539, ClinGen allele CA6585737.